The following is an entry in ClinVar:

NM_206943.4(LTBP1):c.2140T>C (p.Cys714Arg)

Gene: LTBP1 (latent transforming growth factor beta binding protein 1; plus strand). Cytogenetic location: 2p22.3.
Variant type: single nucleotide variant.
Coding change: c.2140T>C on transcript NM_206943.4 (MANE Select); coding-DNA position 2140, T replaced by C.
Protein change: p.Cys714Arg; replaces cysteine 714 with arginine.
Molecular consequence: missense variant.
Genome position (GRCh38, 1-based): chr2:33,252,817, T>C. VCF-style: chr2-33252817-T-C. GRCh37 (hg19) VCF-style: chr2-33477884-T-C.
Other names: c.1162T>C, p.Cys388Arg (NM_001394915.1, NM_001394917.1, NM_001394918.1 and 21 more transcripts); c.919T>C, p.Cys307Arg (NM_001394916.1); c.2140T>C, p.Cys714Arg (NM_001394905.1); short protein forms C307R, C388R, C714R.
Identifiers: ClinVar variation 3342089 (VCV003342089.16).
Genomic context (GRCh38, chr2:33,252,817, plus strand): 5'-TCTGTTCACCTCACCAAGCAGCTCTGCTGTTGTAGTGTGGGCAAGGCCTGGGGCCCACAC[T>C]GTGAGAAATGTCCCCTTCCAGGCACAGGTAAGACATGCCCAGCTGTATGCGCACATAGAT-3'
Protein context (NP_996826.3, residues 704-724): CSVGKAWGPH[Cys714Arg]EKCPLPGTAA

ClinVar aggregate classification (germline): Uncertain significance (1 of 4 stars; one submission).

Submission:

CeGaT Center for Human Genetics Tuebingen
Classification: Uncertain significance. Last evaluated: 2024-08-01. Review status: criteria provided, single submitter. Criteria: CeGaT Center For Human Genetics Tuebingen Variant Classification Criteria Version 2. Collection method: clinical testing. Allele origin: germline. Affected: yes. Observed: 1 variant allele.
Comment: LTBP1: PM2, PP3